The following is an entry in ClinVar:

NM_032043.3(BRIP1):c.819G>T (p.Met273Ile)

Gene: BRIP1 (BRCA1 interacting DNA helicase 1; minus strand). Cytogenetic location: 17q23.2.
Variant type: single nucleotide variant.
Coding change: c.819G>T on transcript NM_032043.3 (MANE Select); coding-DNA position 819, G replaced by T.
Protein change: p.Met273Ile; replaces methionine 273 with isoleucine.
Molecular consequence: missense variant.
Genome position (GRCh38, 1-based): chr17:61,808,566, C>A on the plus strand (G>T on the coding strand, the complement: BRIP1 is on the minus strand). VCF-style: chr17-61808566-C-A. GRCh37 (hg19) VCF-style: chr17-59885927-C-A.
Other names: short protein forms M273I.
Identifiers: ClinVar variation 1049126 (VCV001049126.4), dbSNP rs2145415194, ClinGen allele CA400484848.
Genomic context (GRCh38, chr17:61,808,566, plus strand): 5'-GTTGAAGTTACCGACTACCTCAGGATGGACACAAGTATGATCCCTGCTGGAAAGAATAGT[C>A]ATTGGAACCCCTGAATATGCCGTCCTCCGGAGCTCTCTAGTAATCTGAGCAATCTGCTTG-3'
Protein context (NP_114432.2, residues 263-283): LRRTAYSGVP[Met273Ile]TILSSRDHTC

ClinVar aggregate classification (germline): Uncertain significance. Review status: criteria provided, single submitter (1 of 4 stars). 2 submissions from 2 submitters: Uncertain significance (1). 1 of the submissions does not count toward it. Last evaluated 2024-10-27.

Conditions:
Fanconi anemia complementation group J. Also called: BRIP1-Related Fanconi Anemia. Identifiers: Orphanet 84, MedGen C1836860, MONDO:0012187, OMIM 609054.
Familial cancer of breast. Also called: hereditary breast carcinoma; Hereditary breast cancer; BREAST CANCER, FAMILIAL. Identifiers: Orphanet 227535, MedGen C0346153, MONDO:0016419, OMIM 114480. Disease mechanism: loss of function.
Malignant tumor of breast. Also called: Malignant breast neoplasm; Cancer breast. Identifiers: MedGen C0006142, MONDO:0007254. Disease mechanism: loss of function.

Submissions (2):

Labcorp Genetics (formerly Invitae), Labcorp
Classification: Uncertain significance for Familial cancer of breast; Fanconi anemia complementation group J. Last evaluated: 2024-10-27. Review status: criteria provided, single submitter. Criteria: Invitae Variant Classification Sherloc (09022015). Collection method: clinical testing. Allele origin: germline.
Comment: This sequence change replaces methionine, which is neutral and non-polar, with isoleucine, which is neutral and non-polar, at codon 273 of the BRIP1 protein (p.Met273Ile). This variant is not present in population databases (gnomAD no frequency). This variant has not been reported in the literature in individuals affected with BRIP1-related conditions. ClinVar contains an entry for this variant (Variation ID: 1049126). Invitae Evidence Modeling of protein sequence and biophysical properties (such as structural, functional, and spatial information, amino acid conservation, physicochemical variation, residue mobility, and thermodynamic stability) has been performed for this missense variant. However, the output from this modeling did not meet the statistical confidence thresholds required to predict the impact of this variant on BRIP1 protein function. In summary, the available evidence is currently insufficient to determine the role of this variant in disease. Therefore, it has been classified as a Variant of Uncertain Significance.

Department of Pathology and Laboratory Medicine, Sinai Health System
Classification: Uncertain significance for Malignant tumor of breast. Review status: no assertion criteria provided. Collection method: clinical testing. Allele origin: unknown. Affected: yes. Observed: 1 variant allele. Study: The Canadian Open Genetics Repository (COGR). Not counted in ClinVar's aggregate classification.
Comment: The BRIP1 p.Met273Ile variant was not identified in the literature nor was it identified in the dbSNP or ClinVar databases. The variant was not identified in the following control databases: the Exome Aggregation Consortium (August 8th 2016), or the Genome Aggregation Database (Feb 27, 2017). The p.Met273 residue is conserved in mammals and computational analyses (PolyPhen-2, SIFT, AlignGVGD, BLOSUM, MutationTaster) provide inconsistent predictions regarding the impact to the protein; this information is not very predictive of pathogenicity. The variant occurs outside of the splicing consensus sequence and in silico or computational prediction software programs (SpliceSiteFinder, MaxEntScan, NNSPLICE, GeneSplicer) do not predict a difference in splicing. In summary, based on the above information the clinical significance of this variant cannot be determined with certainty at this time. This variant is classified as a variant of uncertain significance.